The following is an entry in ClinVar:

NM_001267550.2(TTN):c.33594C>T (p.Pro11198=)

Gene: TTN (titin; minus strand). Cytogenetic location: 2q31.2.
Variant type: single nucleotide variant.
Coding change: c.33594C>T on transcript NM_001267550.2 (MANE Select); coding-DNA position 33594, C replaced by T.
Protein change: p.Pro11198=; no amino-acid change (proline 11198 retained).
Molecular consequence: synonymous variant. On other transcripts: intron variant (3).
Genome position (GRCh38, 1-based): chr2:178,679,669, G>A on the plus strand (C>T on the coding strand, the complement: TTN is on the minus strand). VCF-style: chr2-178679669-G-A. GRCh37 (hg19) VCF-style: chr2-179544396-G-A.
Other names: c.32643C>T, p.Pro10881= (NM_001256850.1); c.29862C>T, p.Pro9954= (NM_133378.4); c.13283-37352C>T (NM_003319.4); c.13859-37352C>T (NM_133437.4); c.13658-37352C>T (NM_133432.3); c.33594C>T (NM_001267550.1).
Identifiers: ClinVar variation 513218 (VCV000513218.11), dbSNP rs1553829479, ClinGen allele CA430127805.

ClinVar aggregate classification (germline): Likely benign. Review status: criteria provided, multiple submitters, no conflicts (2 of 4 stars). 3 submissions from 3 submitters: Likely benign (3). Last evaluated 2025-07-27.

Conditions:
Autosomal recessive limb-girdle muscular dystrophy type 2J (LGMDR10). Also called: MUSCULAR DYSTROPHY, LIMB-GIRDLE, AUTOSOMAL RECESSIVE 10; Limb-girdle muscular dystrophy, type 2J. Identifiers: Orphanet 140922, MedGen C1837342, MONDO:0012127, OMIM 608807.
Dilated cardiomyopathy 1G (CMD1G). Identifiers: Orphanet 154, MedGen C1858763, MONDO:0011400, OMIM 604145.

Allele frequency attached by ClinVar (database versions not stated): gnomAD exomes below 0.00001; TOPMed below 0.00001; gnomAD 0.00001.
gnomAD v4.1: 5 of 1,608,480 alleles (0.00031%); highest among the groups gnomAD compares: Non-Finnish European, 0.00034%; no homozygotes.

Submissions (3):

Labcorp Genetics (formerly Invitae), Labcorp
Classification: Likely benign for Dilated cardiomyopathy 1G; Autosomal recessive limb-girdle muscular dystrophy type 2J. Last evaluated: 2025-07-27. Review status: criteria provided, single submitter. Criteria: Invitae Variant Classification Sherloc (09022015). Collection method: clinical testing. Allele origin: germline.

Athena Diagnostics
Classification: Likely benign. Last evaluated: 2020-11-24. Review status: criteria provided, single submitter. Criteria: Athena Diagnostics criteria. Collection method: clinical testing. Allele origin: unknown.

GeneDx
Classification: Likely benign. Last evaluated: 2017-11-01. Review status: criteria provided, single submitter. Criteria: GeneDx Variant Classification (06012015). Collection method: clinical testing. Allele origin: germline. Affected: yes.
Comment: This variant is considered likely benign or benign based on one or more of the following criteria: it is a conservative change, it occurs at a poorly conserved position in the protein, it is predicted to be benign by multiple in silico algorithms, and/or has population frequency not consistent with disease.